The following is an entry in ClinVar:

NM_001034116.2(EIF2B4):c.673C>T (p.Arg225Trp)

Gene: EIF2B4 (eukaryotic translation initiation factor 2B subunit delta; minus strand). Cytogenetic location: 2p23.3.
Variant type: single nucleotide variant.
Coding change: c.673C>T on transcript NM_001034116.2 (MANE Select); coding-DNA position 673, C replaced by T.
Protein change: p.Arg225Trp; replaces arginine 225 with tryptophan.
Molecular consequence: missense variant.
Genome position (GRCh38, 1-based): chr2:27,368,057, G>A on the plus strand (C>T on the coding strand, the complement: EIF2B4 is on the minus strand). VCF-style: chr2-27368057-G-A. GRCh37 (hg19) VCF-style: chr2-27590924-G-A.
Other names: c.736C>T, p.Arg246Trp (NM_001318965.2); c.628C>T, p.Arg210Trp (NM_001318966.2); c.580C>T, p.Arg194Trp (NM_001318967.2); c.88C>T, p.Arg30Trp (NM_001318968.2); c.55C>T, p.Arg19Trp (NM_001318969.2); c.670C>T, p.Arg224Trp (NM_015636.4); c.733C>T, p.Arg245Trp (NM_172195.4); short protein forms R194W, R19W, R210W, R224W, R225W, R245W, R246W, R30W.
Identifiers: ClinVar variation 3366190 (VCV003366190.1).

ClinVar aggregate classification (germline): Uncertain significance (1 of 4 stars; one submission).

gnomAD v4.1: 5 of 1,596,036 alleles (0.00031%); highest among the groups gnomAD compares: Non-Finnish European, 0.00034%; no homozygotes.

Submission:

GeneDx
Classification: Uncertain significance. Last evaluated: 2023-10-20. Review status: criteria provided, single submitter. Criteria: GeneDx Variant Classification Process June 2021. Collection method: clinical testing. Allele origin: germline. Affected: yes.
Comment: Not observed at significant frequency in large population cohorts (gnomAD); In silico analysis supports that this missense variant has a deleterious effect on protein structure/function; Has not been previously published as pathogenic or benign to our knowledge